The following is an entry in ClinVar:

NM_000138.5(FBN1):c.4406G>T (p.Arg1469Leu)

Gene: FBN1 (fibrillin 1; minus strand). Cytogenetic location: 15q21.1.
Variant type: single nucleotide variant.
Coding change: c.4406G>T on transcript NM_000138.5 (MANE Select); coding-DNA position 4406, G replaced by T.
Protein change: p.Arg1469Leu; replaces arginine 1469 with leucine.
Molecular consequence: missense variant.
Genome position (GRCh38, 1-based): chr15:48,470,687, C>A on the plus strand (G>T on the coding strand, the complement: FBN1 is on the minus strand). VCF-style: chr15-48470687-C-A. GRCh37 (hg19) VCF-style: chr15-48762884-C-A.
Other names: short protein forms R1469L.
Identifiers: ClinVar variation 1677650 (VCV001677650.4), dbSNP rs397515808, ClinGen allele CA392354498.
Genomic context (GRCh38, chr15:48,470,687, plus strand): 5'-GTCTTACCTGTGCAGTTCCCGCCGCTTCTGTCCAGTTCGTAGCCTATCTCACACTCACAG[C>A]GGAACAGGCCAGGGAGGTTGTGGCAAGTTCCAAAGACACAGATGTTCGGAAGGGAGCACT-3'
Protein context (NP_000129.3, residues 1459-1479): GTCHNLPGLF[Arg1469Leu]CECEIGYELD

ClinVar aggregate classification (germline): Uncertain significance. Review status: criteria provided, multiple submitters, no conflicts (2 of 4 stars). 4 submissions from 4 submitters: Uncertain significance (4). Last evaluated 2025-07-18.

Conditions:
Geleophysic dysplasia 2 (GPHYSD2). Identifiers: Orphanet 2623, MedGen C3280054, MONDO:0013612, OMIM 614185.
Progeroid and marfanoid aspect-lipodystrophy syndrome. Also called: MARFAN-PROGEROID-LIPODYSTROPHY SYNDROME; Marfan lipodystrophy syndrome; MARFANOID-PROGEROID SYNDROME; MARFANOID-PROGEROID-LIPODYSTROPHY SYNDROME. Identifiers: Orphanet 300382, MedGen C4310796, MONDO:0014831, OMIM 616914.
MASS syndrome (OCTD). Also called: MASS PHENOTYPE; OVERLAP CONNECTIVE TISSUE DISEASE. Identifiers: MedGen C1858556, MONDO:0011431, OMIM 604308.
Marfan syndrome (MFS). Also called: Marfan syndrome, classic; MARFAN SYNDROME, TYPE I; Marfan syndrome type 1; Marfan's syndrome; FBN1-Related Marfan Syndrome. Identifiers: Orphanet 284963, Orphanet 558, MedGen C0024796, MONDO:0007947, OMIM 154700.
Ectopia lentis 1, isolated, autosomal dominant (ECTOL1). Identifiers: Orphanet 1885, MedGen C3541518, MONDO:0007514, OMIM 129600.
Stiff skin syndrome (SSKS). Identifiers: Orphanet 2833, MedGen C1861456, MONDO:0008492, OMIM 184900.
Acromicric dysplasia (ACMICD). Also called: Acromicric skeletal dysplasia. Identifiers: Orphanet 969, MedGen C0265287, MONDO:0007055, OMIM 102370.
Weill-Marchesani syndrome 2, dominant. Also called: FBN1-Related Weill-Marchesani Syndrome; Weill-Marchesani Syndrome, Autosomal Dominant. Identifiers: Orphanet 2084, MedGen C1869115, MONDO:0012013, OMIM 608328.
Familial thoracic aortic aneurysm and aortic dissection (TAAD). Also called: Thoracic aortic aneurysms and dissections. Identifiers: Orphanet 91387, MedGen C4707243, MONDO:0019625.

gnomAD v4.1: 1 of 1,613,948 alleles (0.000062%); no homozygotes.

Submissions (4):

Color Diagnostics, LLC DBA Color Health
Classification: Uncertain significance for Familial thoracic aortic aneurysm and aortic dissection. Last evaluated: 2025-07-18. Review status: criteria provided, single submitter. Criteria: ACMG Guidelines, 2015. Collection method: clinical testing. Allele origin: germline.
Comment: This missense variant replaces arginine with leucine at codon 1469 of the FBN1 protein. Computational prediction suggests that this variant may have a deleterious impact on protein structure and function. To our knowledge, functional studies have not been reported for this variant. This variant has not been reported in individuals affected with FBN1-related disorders in the literature. This variant has not been identified in the general population by the Genome Aggregation Database (gnomAD). The available evidence is insufficient to determine the role of this variant in disease conclusively. Therefore, this variant is classified as a Variant of Uncertain Significance.

GeneDx
Classification: Uncertain significance. Last evaluated: 2024-11-11. Review status: criteria provided, single submitter. Criteria: GeneDx Variant Classification Process June 2021. Collection method: clinical testing. Allele origin: germline. Affected: yes.
Comment: Not observed at significant frequency in large population cohorts (gnomAD); In silico analysis supports that this missense variant has a deleterious effect on protein structure/function; Does not affect a cysteine or calcium-binding residue within an EGF-like domain or a TGF-binding protein domain of the FBN1 gene; cysteine substitutions in the EGF-like domains represent the majority of pathogenic missense changes associated with FBN1-related disorders (PMID: 12938084); Has not been previously published as pathogenic or benign to our knowledge; This variant is associated with the following publications: (PMID: 12938084)

AiLife Diagnostics
Classification: Uncertain significance. Last evaluated: 2021-11-19. Review status: criteria provided, single submitter. Criteria: ACMG Guidelines, 2015. Collection method: clinical testing. Allele origin: germline. Affected: yes. Observed: 1 variant allele.

Fulgent Genetics
Classification: Uncertain significance for Acromicric dysplasia; Ectopia lentis 1, isolated, autosomal dominant; Marfan syndrome; Stiff skin syndrome; MASS syndrome; Weill-Marchesani syndrome 2, dominant; Geleophysic dysplasia 2; Progeroid and marfanoid aspect-lipodystrophy syndrome. Last evaluated: 2021-10-05. Review status: criteria provided, single submitter. Criteria: ACMG Guidelines, 2015. Collection method: clinical testing. Allele origin: unknown.